The following is an entry in ClinVar:

ClinVar aggregate classification (germline): Uncertain significance (1 of 4 stars; one submission).

Submission:

Labcorp Genetics (formerly Invitae), Labcorp
Classification: Uncertain significance. Last evaluated: 2020-02-22. Review status: criteria provided, single submitter. Criteria: Invitae Variant Classification Sherloc (09022015). Collection method: clinical testing. Allele origin: germline.
Comment: In summary, the available evidence is currently insufficient to determine the role of this variant in disease. Therefore, it has been classified as a Variant of Uncertain Significance. Algorithms developed to predict the effect of missense changes on protein structure and function are either unavailable or do not agree on the potential impact of this missense change (SIFT: "Deleterious"; PolyPhen-2: "Benign"; Align-GVGD: "Class C65"). This variant has not been reported in the literature in individuals with CCT2-related conditions. This variant is not present in population databases (ExAC no frequency). This sequence change replaces alanine with serine at codon 324 of the CCT2 protein (p.Ala324Ser). The alanine residue is highly conserved and there is a moderate physicochemical difference between alanine and serine.

NM_006431.3(CCT2):c.970G>T (p.Ala324Ser)

Gene: CCT2 (chaperonin containing TCP1 subunit 2; plus strand). Cytogenetic location: 12q15.
Variant type: single nucleotide variant.
Coding change: c.970G>T on transcript NM_006431.3 (MANE Select); coding-DNA position 970, G replaced by T.
Protein change: p.Ala324Ser; replaces alanine 324 with serine.
Molecular consequence: missense variant.
Genome position (GRCh38, 1-based): chr12:69,593,601, G>T. VCF-style: chr12-69593601-G-T. GRCh37 (hg19) VCF-style: chr12-69987381-G-T.
Other names: c.829G>T, p.Ala277Ser (NM_001198842.2); short protein forms A277S, A324S.
Identifiers: ClinVar variation 1007815 (VCV001007815.9), dbSNP rs1881900235, ClinGen allele CA385729756.